The following is an entry in ClinVar:

NM_021095.4(SLC5A6):c.689G>A (p.Arg230His)

Gene: SLC5A6 (solute carrier family 5 member 6; minus strand). Cytogenetic location: 2p23.3.
Variant type: single nucleotide variant.
Coding change: c.689G>A on transcript NM_021095.4 (MANE Select); coding-DNA position 689, G replaced by A.
Protein change: p.Arg230His; replaces arginine 230 with histidine.
Molecular consequence: missense variant. On other transcripts: non-coding transcript variant (1).
Genome position (GRCh38, 1-based): chr2:27,205,395, C>T on the plus strand (G>A on the coding strand, the complement: SLC5A6 is on the minus strand). VCF-style: chr2-27205395-C-T. GRCh37 (hg19) VCF-style: chr2-27428263-C-T.
Other names: short protein forms R230H.
Identifiers: ClinVar variation 3766340 (VCV003766340.1).
Genomic context (GRCh38, chr2:27,205,395, plus strand): 5'-TAGGGGTATACTTACTCAAACCCAGAGATGCGGCCGTGCTGGGAAGCCACGGCCCACACA[C>T]GCCCCAAGCCGCCCACCTTGGCTGACCCCACAATGATAACTGCCAGCTGCCCGAGGAACA-3'
Protein context (NP_066918.2, residues 220-240): VGSAKVGGLG[Arg230His]VWAVASQHGR

ClinVar aggregate classification (germline): Uncertain significance (1 of 4 stars; one submission).

gnomAD v4.1: 25 of 1,614,058 alleles (0.0015%); highest among the groups gnomAD compares: Admixed American, 0.0067%; no homozygotes.

Submission:

GeneDx
Classification: Uncertain significance. Last evaluated: 2024-08-25. Review status: criteria provided, single submitter. Criteria: GeneDx Variant Classification Process June 2021. Collection method: clinical testing. Allele origin: germline. Affected: yes.
Comment: In silico analysis indicates that this missense variant does not alter protein structure/function; Has not been previously published as pathogenic or benign to our knowledge